The following is an entry in ClinVar:

NM_020937.4(FANCM):c.730C>G (p.Leu244Val)

Gene: FANCM (FA complementation group M; plus strand). Cytogenetic location: 14q21.2.
Variant type: single nucleotide variant.
Coding change: c.730C>G on transcript NM_020937.4 (MANE Select); coding-DNA position 730, C replaced by G.
Protein change: p.Leu244Val; replaces leucine 244 with valine.
Molecular consequence: missense variant. On other transcripts: intron variant (1).
Genome position (GRCh38, 1-based): chr14:45,140,680, C>G. VCF-style: chr14-45140680-C-G. GRCh37 (hg19) VCF-style: chr14-45609883-C-G.
Other names: c.730C>G, p.Leu244Val (NM_001308134.2); c.681+3439C>G (NM_001308133.2); short protein forms L244V.
Identifiers: ClinVar variation 526370 (VCV000526370.9), dbSNP rs376357342, ClinGen allele CA389589134.

ClinVar aggregate classification (germline): Uncertain significance. Review status: criteria provided, multiple submitters, no conflicts (2 of 4 stars). 2 submissions from 2 submitters: Uncertain significance (2). Last evaluated 2025-08-19.

Conditions:
Inborn genetic diseases. Identifiers: MedGen C0950123, MeSH D030342.
Fanconi anemia (FA). Also called: Fanconi's anemia. Identifiers: Orphanet 84, MedGen C0015625, MeSH D005199, MONDO:0019391.

gnomAD v4.1: 9 of 1,601,390 alleles (0.00056%); highest among the groups gnomAD compares: Non-Finnish European, 0.00077%; no homozygotes.

Submissions (2):

Ambry Genetics
Classification: Uncertain significance for Inborn genetic diseases. Last evaluated: 2025-08-19. Review status: criteria provided, single submitter. Criteria: Ambry Variant Classification Scheme 2023. Collection method: clinical testing. Allele origin: germline.
Comment: The p.L244V variant (also known as c.730C>G), located in coding exon 3 of the FANCM gene, results from a C to G substitution at nucleotide position 730. The leucine at codon 244 is replaced by valine, an amino acid with highly similar properties. This amino acid position is conserved. In addition, the in silico prediction for this alteration is inconclusive. Based on the available evidence, the clinical significance of this variant remains unclear.

Labcorp Genetics (formerly Invitae), Labcorp
Classification: Uncertain significance for Fanconi anemia. Last evaluated: 2017-08-23. Review status: criteria provided, single submitter. Criteria: Invitae Variant Classification Sherloc (09022015). Collection method: clinical testing. Allele origin: germline.
Comment: Algorithms developed to predict the effect of sequence changes on RNA splicing suggest that this variant may create or strengthen a splice site, but this prediction has not been confirmed by published transcriptional studies. Algorithms developed to predict the effect of missense changes on protein structure and function do not agree on the potential impact of this missense change (SIFT: "Deleterious"; PolyPhen-2: "Probably Damaging"; Align-GVGD: "Class C0"). This variant has not been reported in the literature in individuals with FANCM-related disease. This variant is not present in population databases (ExAC no frequency). This sequence change replaces leucine with valine at codon 244 of the FANCM protein (p.Leu244Val). The leucine residue is highly conserved and there is a small physicochemical difference between leucine and valine. In summary, the available evidence is currently insufficient to determine the role of this variant in disease. Therefore, it has been classified as a Variant of Uncertain Significance.